The following is an entry in ClinVar:

ClinVar aggregate classification (germline): Uncertain significance (1 of 4 stars; one submission).

Conditions:
Candidiasis, familial, 9 (CANDF9). Identifiers: Orphanet 1334, MedGen C4225324, MONDO:0014642, OMIM 616445.

Allele frequency attached by ClinVar (database versions not stated): gnomAD exomes below 0.00001 and 0.00001; ExAC 0.00002; gnomAD 0.00005; ESP Exome Variant Server 0.00008.
gnomAD v4.1: 17 of 1,613,850 alleles (0.0011%); highest among the groups gnomAD compares: African/African-American, 0.013%; no homozygotes.

Submission:

Labcorp Genetics (formerly Invitae), Labcorp
Classification: Uncertain significance for Candidiasis, familial, 9. Last evaluated: 2025-07-21. Review status: criteria provided, single submitter. Criteria: Invitae Variant Classification Sherloc (09022015). Collection method: clinical testing. Allele origin: germline.
Comment: This sequence change replaces isoleucine, which is neutral and non-polar, with valine, which is neutral and non-polar, at codon 358 of the IL17RC protein (p.Ile358Val). This variant is present in population databases (rs377653469, gnomAD 0.02%). This variant has not been reported in the literature in individuals affected with IL17RC-related conditions. ClinVar contains an entry for this variant (Variation ID: 1393518). An algorithm developed to predict the effect of missense changes on protein structure and function outputs the following: PolyPhen-2: "Benign". The valine amino acid residue is found in multiple mammalian species, which suggests that this missense change does not adversely affect protein function. In summary, the available evidence is currently insufficient to determine the role of this variant in disease. Therefore, it has been classified as a Variant of Uncertain Significance.

NM_153460.4(IL17RC):c.859A>G (p.Ile287Val)

Gene: IL17RC (interleukin 17 receptor C; plus strand). Cytogenetic location: 3p25.3.
Variant type: single nucleotide variant.
Coding change: c.859A>G on transcript NM_153460.4 (MANE Select); coding-DNA position 859, A replaced by G.
Protein change: p.Ile287Val; replaces isoleucine 287 with valine.
Molecular consequence: missense variant. On other transcripts: non-coding transcript variant (1).
Genome position (GRCh38, 1-based): chr3:9,928,202, A>G. VCF-style: chr3-9928202-A-G. GRCh37 (hg19) VCF-style: chr3-9969886-A-G.
Other names: c.859A>G, p.Ile287Val (NM_001203263.2, NM_001203264.2); c.814A>G, p.Ile272Val (NM_001203265.2, NM_001367280.1, NM_032732.6); c.820A>G, p.Ile274Val (NM_001367278.1); c.739A>G, p.Ile247Val (NM_001367279.1); c.1072A>G, p.Ile358Val (NM_153461.4); short protein forms I247V, I274V, I272V, I287V, I358V.
Identifiers: ClinVar variation 1393518 (VCV001393518.6), dbSNP rs377653469, ClinGen allele CA2247023.